The following is an entry in ClinVar:

NM_001018005.2(TPM1):c.563+266C>A

Gene: TPM1 (tropomyosin 1; plus strand). Cytogenetic location: 15q22.2.
Variant type: single nucleotide variant.
Coding change: c.563+266C>A on transcript NM_001018005.2 (MANE Select); 266 bases into the intron after coding-DNA position 563, C replaced by A.
Molecular consequence: intron variant. On other transcripts: synonymous variant (21), non-coding transcript variant (16).
Genome position (GRCh38, 1-based): chr15:63,061,205, C>A. VCF-style: chr15-63061205-C-A. GRCh37 (hg19) VCF-style: chr15-63353404-C-A.
Other names: c.571C>A, p.Arg191= (NM_000366.6, NM_001018006.2, NM_001018020.2 and 10 more transcripts); c.463C>A, p.Arg155= (NM_001330344.2, NM_001330351.2, NM_001365781.2 and 3 more transcripts); c.697C>A, p.Arg233= (NM_001407322.1, NM_001407323.1); c.563+266C>A (NM_001407338.1, NM_001018007.2, NM_001365776.1 and 7 more transcripts); c.689+266C>A (NM_001407324.1, NM_001365778.1); c.455+266C>A (NM_001018008.2, NM_001301289.2, NM_001365782.1 and 3 more transcripts).
Identifiers: ClinVar variation 2645425 (VCV002645425.24), dbSNP rs201813515, ClinGen allele CA030272.

ClinVar aggregate classification (germline): Likely benign (1 of 4 stars; one submission).

gnomAD v4.1: 11 of 1,613,968 alleles (0.00068%); highest among the groups gnomAD compares: African/African-American, 0.0013%; no homozygotes.

Submission:

CeGaT Center for Human Genetics Tuebingen
Classification: Likely benign. Last evaluated: 2023-10-01. Review status: criteria provided, single submitter. Criteria: CeGaT Center For Human Genetics Tuebingen Variant Classification Criteria Version 2. Collection method: clinical testing. Allele origin: germline. Affected: yes. Observed: 1 variant allele.
Comment: TPM1: PM2:Supporting, BP4, BP7